The following is an entry in ClinVar:

NM_000368.5(TSC1):c.266T>C (p.Ile89Thr)

Gene: TSC1 (TSC complex subunit 1; minus strand). Cytogenetic location: 9q34.13.
Variant type: single nucleotide variant.
Coding change: c.266T>C on transcript NM_000368.5 (MANE Select); coding-DNA position 266, T replaced by C.
Protein change: p.Ile89Thr; replaces isoleucine 89 with threonine.
Molecular consequence: missense variant. On other transcripts: 5 prime UTR variant (1), intron variant (1).
Genome position (GRCh38, 1-based): chr9:132,925,684, A>G on the plus strand (T>C on the coding strand, the complement: TSC1 is on the minus strand). VCF-style: chr9-132925684-A-G. GRCh37 (hg19) VCF-style: chr9-135801071-A-G.
Other names: c.266T>C, p.Ile89Thr (NM_001162426.2); c.-98T>C (NM_001362177.2); c.210+1517T>C (NM_001162427.2); short protein forms I89T.
Identifiers: ClinVar variation 572266 (VCV000572266.12), dbSNP rs1564501791, ClinGen allele CA375374658.

ClinVar aggregate classification (germline): Conflicting classifications of pathogenicity. Review status: criteria provided, conflicting classifications (1 of 4 stars). 3 submissions from 3 submitters: Uncertain significance (2); Likely benign (1). Last evaluated 2025-08-03.

Conditions:
Tuberous sclerosis 1 (TSC1). Identifiers: Orphanet 805, MedGen C1854465, MONDO:0008612, OMIM 191100.
Hereditary cancer-predisposing syndrome. Also called: Hereditary neoplastic syndrome; Neoplastic Syndromes, Hereditary; Hereditary Cancer Syndrome; Tumor predisposition. Identifiers: Orphanet 140162, MedGen C0027672, MeSH D009386, MONDO:0015356.

Submissions (3):

Labcorp Genetics (formerly Invitae), Labcorp
Classification: Uncertain significance for Tuberous sclerosis 1. Last evaluated: 2025-08-03. Review status: criteria provided, single submitter. Criteria: Invitae Variant Classification Sherloc (09022015). Collection method: clinical testing. Allele origin: germline.
Comment: This sequence change replaces isoleucine, which is neutral and non-polar, with threonine, which is neutral and polar, at codon 89 of the TSC1 protein (p.Ile89Thr). This variant is not present in population databases (gnomAD no frequency). This variant has not been reported in the literature in individuals affected with TSC1-related conditions. ClinVar contains an entry for this variant (Variation ID: 572266). Invitae Evidence Modeling of protein sequence and biophysical properties (such as structural, functional, and spatial information, amino acid conservation, physicochemical variation, residue mobility, and thermodynamic stability) indicates that this missense variant is not expected to disrupt TSC1 protein function with a negative predictive value of 95%. In summary, the available evidence is currently insufficient to determine the role of this variant in disease. Therefore, it has been classified as a Variant of Uncertain Significance.

Women's Health and Genetics/Laboratory Corporation of America, LabCorp
Classification: Uncertain significance. Last evaluated: 2024-06-24. Review status: criteria provided, single submitter. Criteria: LabCorp Variant Classification Summary - May 2015. Collection method: clinical testing. Allele origin: germline.
Comment: Variant summary: TSC1 c.266T>C (p.Ile89Thr) results in a non-conservative amino acid change in the encoded protein sequence. Three of four in-silico tools predict a benign effect of the variant on protein function. The variant was absent in 251366 control chromosomes. The available data on variant occurrences in the general population are insufficient to allow any conclusion about variant significance. To our knowledge, no occurrence of c.266T>C in individuals affected with Tuberous Sclerosis Complex and no experimental evidence demonstrating its impact on protein function have been reported. ClinVar contains an entry for this variant (Variation ID: 572266). Based on the evidence outlined above, the variant was classified as uncertain significance.

Ambry Genetics
Classification: Likely benign for Hereditary cancer-predisposing syndrome. Last evaluated: 2021-11-02. Review status: criteria provided, single submitter. Criteria: Ambry Variant Classification Scheme 2023. Collection method: clinical testing. Allele origin: germline.